The following is an entry in ClinVar:

NM_001498.4(GCLC):c.528A>G (p.Pro176=)

Gene: GCLC (glutamate-cysteine ligase catalytic subunit; minus strand). Cytogenetic location: 6p12.1.
Variant type: single nucleotide variant.
Coding change: c.528A>G on transcript NM_001498.4 (MANE Select); coding-DNA position 528, A replaced by G.
Protein change: p.Pro176=; no amino-acid change (proline 176 retained).
Molecular consequence: synonymous variant. On other transcripts: intron variant (1).
Genome position (GRCh38, 1-based): chr6:53,516,141, T>C on the plus strand (A>G on the coding strand, the complement: GCLC is on the minus strand). VCF-style: chr6-53516141-T-C. GRCh37 (hg19) VCF-style: chr6-53380939-T-C.
Other names: p.Pro176=; c.447-1644A>G (NM_001197115.2).
Identifiers: ClinVar variation 768098 (VCV000768098.23), dbSNP rs34307437, ClinGen allele CA3860347.

ClinVar aggregate classification (germline): Benign/Likely benign. Review status: criteria provided, multiple submitters, no conflicts (2 of 4 stars). 4 submissions from 4 submitters: Benign (2); Likely benign (2). Last evaluated 2026-01-26.

Allele frequency attached by ClinVar (database versions not stated): ESP Exome Variant Server 0.00984; 1000 Genomes Project 30x 0.01124; ExAC 0.00270; gnomAD 0.00893 and 0.00956; TOPMed 0.00982; gnomAD exomes 0.00097 and 0.00234; 1000 Genomes Project 0.01038.
gnomAD v4.1: 2,806 of 1,613,354 alleles (0.17%); highest among the groups gnomAD compares: African/African-American, 3.3%; 41 homozygotes.

Submissions (4):

Labcorp Genetics (formerly Invitae), Labcorp
Classification: Benign. Last evaluated: 2026-01-26. Review status: criteria provided, single submitter. Criteria: Invitae Variant Classification Sherloc (09022015). Collection method: clinical testing. Allele origin: germline.

Mayo Clinic Laboratories, Mayo Clinic
Classification: Likely benign. Last evaluated: 2025-10-14. Review status: criteria provided, single submitter. Criteria: ACMG Guidelines, 2015. Collection method: clinical testing. Allele origin: germline. Observed: 29 variant alleles.
Comment: BS1, BS2, BP4, BP7

ARUP Laboratories, Molecular Genetics and Genomics, ARUP Laboratories
Classification: Benign. Last evaluated: 2025-07-28. Review status: criteria provided, single submitter. Criteria: ARUP Molecular Germline Variant Investigation Process 2024. Collection method: clinical testing. Allele origin: germline.

Breakthrough Genomics
Classification: Likely benign. Review status: criteria provided, single submitter. Criteria: ACMG Guidelines, 2015. Collection method: not provided. Allele origin: germline. Inheritance: Autosomal recessive inheritance. Affected: yes.